The following is an entry in ClinVar:

ClinVar aggregate classification (germline): Uncertain significance (1 of 4 stars; one submission).

gnomAD v4.1: 5 of 1,614,172 alleles (0.00031%); highest among the groups gnomAD compares: Non-Finnish European, 0.00042%; no homozygotes.

Submission:

GeneDx
Classification: Uncertain significance. Last evaluated: 2026-03-11. Review status: criteria provided, single submitter. Criteria: GeneDx Variant Classification Process June 2021. Collection method: clinical testing. Allele origin: germline.
Comment: Not observed at significant frequency in large population cohorts (gnomAD); In silico analysis supports that this missense variant has a deleterious effect on protein structure/function; Has not been previously published as pathogenic or benign to our knowledge

NM_001326342.2(CELF2):c.515G>A (p.Arg172Gln)

Gene: CELF2 (CUGBP Elav-like family member 2; plus strand). Cytogenetic location: 10p14.
Variant type: single nucleotide variant.
Coding change: c.515G>A on transcript NM_001326342.2 (MANE Select); coding-DNA position 515, G replaced by A.
Protein change: p.Arg172Gln; replaces arginine 172 with glutamine.
Molecular consequence: missense variant. On other transcripts: 5 prime UTR variant (2).
Genome position (GRCh38, 1-based): chr10:11,257,849, G>A. VCF-style: chr10-11257849-G-A. GRCh37 (hg19) VCF-style: chr10-11299812-G-A.
Other names: c.422G>A, p.Arg141Gln (NM_001025076.2, NM_001083591.1, NM_001326317.2 and 15 more transcripts); c.494G>A, p.Arg165Gln (NM_001025077.3, NM_001326331.2, NM_001326332.2 and 4 more transcripts); c.587G>A, p.Arg196Gln (NM_001326325.2); c.530G>A, p.Arg177Gln (NM_001326326.2, NM_001326327.2); c.-111G>A (NM_001326333.2, NM_001326346.2); c.161G>A, p.Arg54Gln (NM_001326338.2, NM_001326339.2); c.515G>A, p.Arg172Gln (NM_001326340.2, NM_001326341.2, NM_001326343.2 and 4 more transcripts); c.446G>A, p.Arg149Gln (NM_001326347.1); short protein forms R172Q, R165Q, R141Q, R149Q, R54Q, R177Q, R196Q.
Identifiers: ClinVar variation 5008955 (VCV005008955.1).
Genomic context (GRCh38, chr10:11,257,849, plus strand): 5'-AGAACGACATCAGGGTGATGTTCTCTCCATTTGGCCAGATAGAAGAATGCCGGATCCTCC[G>A]GGGACCTGATGGGCTGAGTCGAGGTGAGTGTGCTGTCTGGAAAGCCTCTCCCCTTCAGTG-3'
Protein context (NP_001313271.1, residues 162-182): FGQIEECRIL[Arg172Gln]GPDGLSRGCA